The following is an entry in ClinVar:

NM_033163.5(FGF8):c.551G>A (p.Arg184His)

Gene: FGF8 (fibroblast growth factor 8; minus strand). Cytogenetic location: 10q24.32.
Variant type: single nucleotide variant.
Coding change: c.551G>A on transcript NM_033163.5 (MANE Select); coding-DNA position 551, G replaced by A.
Protein change: p.Arg184His; replaces arginine 184 with histidine.
Molecular consequence: missense variant.
Genome position (GRCh38, 1-based): chr10:101,770,513, C>T on the plus strand (G>A on the coding strand, the complement: FGF8 is on the minus strand). VCF-style: chr10-101770513-C-T. GRCh37 (hg19) VCF-style: chr10-103530270-C-T.
Other names: c.239G>A, p.Arg80His (NM_001206389.2); c.464G>A, p.Arg155His (NM_006119.6); c.518G>A, p.Arg173His (NM_033164.4); c.431G>A, p.Arg144His (NM_033165.5); short protein forms R144H, R155H, R184H, R173H, R80H.
Identifiers: ClinVar variation 4694329 (VCV004694329.1).
Genomic context (GRCh38, chr10:101,770,513, plus strand): 5'-ATGAAGTGGACCTCACGCTGGTGCTGCCGCGTCTTGGAGCCCTTGCGGGGCCGGCCCTTG[C>T]GGGTGAAGGCCATGTACCAGCCCTCGTACTTGGCATTCTGCAGCGCTGTGTAGTTGTTCT-3'
Protein context (NP_149353.1, residues 174-194): KYEGWYMAFT[Arg184His]KGRPRKGSKT

ClinVar aggregate classification (germline): Uncertain significance (1 of 4 stars; one submission).

gnomAD v4.1: 13 of 1,613,600 alleles (0.00081%); highest among the groups gnomAD compares: African/African-American, 0.0027%; no homozygotes.

Submission:

Labcorp Genetics (formerly Invitae), Labcorp
Classification: Uncertain significance. Last evaluated: 2025-12-09. Review status: criteria provided, single submitter. Criteria: Invitae Variant Classification Sherloc (09022015). Collection method: clinical testing. Allele origin: germline.
Comment: This sequence change replaces arginine, which is basic and polar, with histidine, which is basic and polar, at codon 184 of the FGF8 protein (p.Arg184His). The frequency data for this variant in the population databases is considered unreliable, as metrics indicate poor data quality at this position in the gnomAD database. This missense change has been observed in individual(s) with tetralogy of Fallot (PMID: 32664970). An algorithm developed to predict the effect of missense changes on protein structure and function (PolyPhen-2) suggests that this variant is likely to be disruptive. Experimental studies are conflicting or provide insufficient evidence to determine the effect of this variant on FGF8 function (PMID: 32664970). In summary, the available evidence is currently insufficient to determine the role of this variant in disease. Therefore, it has been classified as a Variant of Uncertain Significance.

Literature cited by the submitters: PubMed 32664970.